The following is an entry in ClinVar:

NM_003036.4(SKI):c.1096-6C>T

Gene: SKI (SKI proto-oncogene; plus strand). Cytogenetic location: 1p36.32.
Variant type: single nucleotide variant.
Coding change: c.1096-6C>T on transcript NM_003036.4 (MANE Select); 6 bases into the intron before coding-DNA position 1096, C replaced by T.
Molecular consequence: intron variant.
Genome position (GRCh38, 1-based): chr1:2,303,279, C>T. VCF-style: chr1-2303279-C-T. GRCh37 (hg19) VCF-style: chr1-2234718-C-T.
Other names: p.?.
Identifiers: ClinVar variation 390923 (VCV000390923.16), dbSNP rs201304370, ClinGen allele CA536584.
Genomic context (GRCh38, chr1:2,303,279, plus strand): 5'-GCCTCAGGGACATGAAGTGGCTTGTTTTTCTCCTGGTCACTCACACAGACAACTCTTTCT[C>T]GACAGAGCCTGGGCTGTGTTCACCCTCGCCAGCGCCTCTCTGCTTTCCGACCCTGGTCCC-3'

ClinVar aggregate classification (germline): Likely benign. Review status: criteria provided, multiple submitters, no conflicts (2 of 4 stars). 5 submissions from 5 submitters: Likely benign (5). Last evaluated 2026-01-18.

Conditions:
SKI-related disorder. Also called: SKI-related condition.
Shprintzen-Goldberg syndrome (SGS). Also called: SHPRINTZEN-GOLDBERG CRANIOSYNOSTOSIS SYNDROME; Marfanoid disorder with craniosynostosis type 1; Marfanoid craniosynostosis syndrome; Shprintzen-Goldberg marfanoid syndrome; CRANIOSYNOSTOSIS WITH ARACHNODACTYLY AND ABDOMINAL HERNIAS. Identifiers: Orphanet 2462, MedGen C1321551, MONDO:0008426, OMIM 182212.

Allele frequency attached by ClinVar (database versions not stated): gnomAD 0.00004; TOPMed 0.00005; gnomAD exomes 0.00010 and 0.00013; ExAC 0.00017.
gnomAD v4.1: 151 of 1,612,826 alleles (0.0094%); highest among the groups gnomAD compares: Admixed American, 0.022%; no homozygotes.

Submissions (5):

PreventionGenetics, part of Exact Sciences
Classification: Likely benign for SKI-related condition. Last evaluated: 2026-01-18. Review status: criteria provided, single submitter. Criteria: ACMG Guidelines, 2015. Collection method: clinical testing. Allele origin: germline.
Comment: This variant is classified as likely benign based on ACMG/AMP sequence variant interpretation guidelines (Richards et al. 2015 PMID: 25741868, with internal and published modifications).

Labcorp Genetics (formerly Invitae), Labcorp
Classification: Likely benign for Shprintzen-Goldberg syndrome. Last evaluated: 2025-12-11. Review status: criteria provided, single submitter. Criteria: Invitae Variant Classification Sherloc (09022015). Collection method: clinical testing. Allele origin: germline.

Mayo Clinic Laboratories, Mayo Clinic
Classification: Likely benign. Last evaluated: 2025-02-21. Review status: criteria provided, single submitter. Criteria: ACMG Guidelines, 2015. Collection method: clinical testing. Allele origin: germline. Observed: 1 variant allele.
Comment: BP4, BP7

Blueprint Genetics
Classification: Likely benign. Last evaluated: 2024-10-03. Review status: criteria provided, single submitter. Criteria: ACMG Guidelines, 2015. Collection method: clinical testing. Allele origin: germline.

GeneDx
Classification: Likely benign. Last evaluated: 2021-01-14. Review status: criteria provided, single submitter. Criteria: GeneDx Variant Classification Process June 2021. Collection method: clinical testing. Allele origin: germline. Affected: yes.